The following is an entry in ClinVar:

NM_001903.5(CTNNA1):c.2320C>G (p.Gln774Glu)

Gene: CTNNA1 (catenin alpha 1; plus strand). Cytogenetic location: 5q31.2.
Variant type: single nucleotide variant.
Coding change: c.2320C>G on transcript NM_001903.5 (MANE Select); coding-DNA position 2320, C replaced by G.
Protein change: p.Gln774Glu; replaces glutamine 774 with glutamic acid.
Molecular consequence: missense variant. On other transcripts: intron variant (1).
Genome position (GRCh38, 1-based): chr5:138,932,599, C>G. VCF-style: chr5-138932599-C-G. GRCh37 (hg19) VCF-style: chr5-138268288-C-G.
Other names: c.2320C>G, p.Gln774Glu (NM_001290307.3, NM_001323982.2, NM_001323983.1 and 2 more transcripts); c.2011C>G, p.Gln671Glu (NM_001290309.3); c.1951C>G, p.Gln651Glu (NM_001290310.3); c.1210C>G, p.Gln404Glu (NM_001290312.1, NM_001323987.1, NM_001323988.1 and 16 more transcripts); c.2227C>G, p.Gln743Glu (NM_001323986.2); c.871C>G, p.Gln291Glu (NM_001324006.1, NM_001324007.1, NM_001324008.1 and 2 more transcripts); c.1117C>G, p.Gln373Glu (NM_001324011.1); c.967C>G, p.Gln323Glu (NM_001324012.1, NM_001324013.1); and 1 more; short protein forms Q291E, Q743E, Q774E, Q404E, Q323E, Q373E, Q651E, Q671E.
Identifiers: ClinVar variation 3498208 (VCV003498208.3).

ClinVar aggregate classification (germline): Uncertain significance. Review status: criteria provided, multiple submitters, no conflicts (2 of 4 stars). 2 submissions from 2 submitters: Uncertain significance (2). Last evaluated 2024-08-07.

Conditions:
Hereditary cancer-predisposing syndrome. Also called: Tumor predisposition; Neoplastic Syndromes, Hereditary; Hereditary Cancer Syndrome; Hereditary neoplastic syndrome. Identifiers: Orphanet 140162, MedGen C0027672, MeSH D009386, MONDO:0015356.

Submissions (2):

Labcorp Genetics (formerly Invitae), Labcorp
Classification: Uncertain significance. Last evaluated: 2024-08-07. Review status: criteria provided, single submitter. Criteria: Invitae Variant Classification Sherloc (09022015). Collection method: clinical testing. Allele origin: germline.
Comment: This sequence change replaces glutamine, which is neutral and polar, with glutamic acid, which is acidic and polar, at codon 774 of the CTNNA1 protein (p.Gln774Glu). This variant is not present in population databases (gnomAD no frequency). This variant has not been reported in the literature in individuals affected with CTNNA1-related conditions. An algorithm developed to predict the effect of missense changes on protein structure and function (PolyPhen-2) suggests that this variant is likely to be tolerated. In summary, the available evidence is currently insufficient to determine the role of this variant in disease. Therefore, it has been classified as a Variant of Uncertain Significance.

Ambry Genetics
Classification: Uncertain significance for Hereditary cancer-predisposing syndrome. Last evaluated: 2024-07-02. Review status: criteria provided, single submitter. Criteria: Ambry Variant Classification Scheme 2023. Collection method: clinical testing. Allele origin: germline.
Comment: The p.Q774E variant (also known as c.2320C>G), located in coding exon 16 of the CTNNA1 gene, results from a C to G substitution at nucleotide position 2320. The glutamine at codon 774 is replaced by glutamic acid, an amino acid with highly similar properties. This amino acid position is conserved. In addition, this alteration is predicted to be tolerated by in silico analysis. Based on the available evidence, the clinical significance of this variant remains unclear.